The following is an entry in ClinVar:

NM_014319.5(LEMD3):c.887C>A (p.Pro296Gln)

Gene: LEMD3 (LEM domain containing 3; plus strand). Cytogenetic location: 12q14.3.
Variant type: single nucleotide variant.
Coding change: c.887C>A on transcript NM_014319.5 (MANE Select); coding-DNA position 887, C replaced by A.
Protein change: p.Pro296Gln; replaces proline 296 with glutamine.
Molecular consequence: missense variant.
Genome position (GRCh38, 1-based): chr12:65,170,483, C>A. VCF-style: chr12-65170483-C-A. GRCh37 (hg19) VCF-style: chr12-65564263-C-A.
Other names: c.887C>A (NM_014319.4); c.887C>A, p.Pro296Gln (NM_001167614.2); short protein forms P296Q.
Identifiers: ClinVar variation 2288037 (VCV002288037.8), dbSNP rs750988811, ClinGen allele CA238907731.

ClinVar aggregate classification (germline): Uncertain significance. Review status: criteria provided, multiple submitters, no conflicts (2 of 4 stars). 2 submissions from 2 submitters: Uncertain significance (2). Last evaluated 2025-08-25.

Conditions:
Inborn genetic diseases. Identifiers: MedGen C0950123, MeSH D030342.

gnomAD v4.1: 18 of 1,613,888 alleles (0.0011%); highest among the groups gnomAD compares: African/African-American, 0.02%; no homozygotes.

Submissions (2):

Ambry Genetics
Classification: Uncertain significance for Inborn genetic diseases. Last evaluated: 2025-08-25. Review status: criteria provided, single submitter. Criteria: Ambry Variant Classification Scheme 2023. Collection method: clinical testing. Allele origin: germline.

Labcorp Genetics (formerly Invitae), Labcorp
Classification: Uncertain significance. Last evaluated: 2022-08-01. Review status: criteria provided, single submitter. Criteria: Invitae Variant Classification Sherloc (09022015). Collection method: clinical testing. Allele origin: germline.
Comment: This variant has not been reported in the literature in individuals affected with LEMD3-related conditions. This variant is present in population databases (no rsID available, gnomAD 0.008%). This sequence change replaces proline, which is neutral and non-polar, with glutamine, which is neutral and polar, at codon 296 of the LEMD3 protein (p.Pro296Gln). Algorithms developed to predict the effect of missense changes on protein structure and function (SIFT, PolyPhen-2, Align-GVGD) all suggest that this variant is likely to be tolerated. In summary, the available evidence is currently insufficient to determine the role of this variant in disease. Therefore, it has been classified as a Variant of Uncertain Significance.